The following is an entry in ClinVar:

NM_000257.4(MYH7):c.4633G>A (p.Glu1545Lys)

Genes: MHRT (myosin heavy chain associated RNA transcript; plus strand), MYH7 (myosin heavy chain 7; minus strand). Cytogenetic location: 14q11.2.
Variant type: single nucleotide variant.
Coding change: c.4633G>A on transcript NM_000257.4 (MANE Select); coding-DNA position 4633, G replaced by A.
Protein change: p.Glu1545Lys; replaces glutamic acid 1545 with lysine.
Molecular consequence: missense variant.
Genome position (GRCh38, 1-based): chr14:23,416,879, C>T on the plus strand (G>A on the coding strand, the complement: MYH7 is on the minus strand). VCF-style: chr14-23416879-C-T. GRCh37 (hg19) VCF-style: chr14-23886088-C-T.
Other names: c.4633G>A, p.Glu1545Lys (NM_001407004.1); short protein forms E1545K.
Identifiers: ClinVar variation 4769883 (VCV004769883.1).

ClinVar aggregate classification (germline): Uncertain significance (1 of 4 stars; one submission).

Conditions:
Hypertrophic cardiomyopathy. Also called: HYPERTROPHIC MYOCARDIOPATHY. Identifiers: Orphanet 217569, MedGen C0007194, MeSH D002312, MONDO:0005045, HP:0001639.

Submission:

Labcorp Genetics (formerly Invitae), Labcorp
Classification: Uncertain significance for Hypertrophic cardiomyopathy. Last evaluated: 2025-09-28. Review status: criteria provided, single submitter. Criteria: Invitae Variant Classification Sherloc (09022015). Collection method: clinical testing. Allele origin: germline.
Comment: This sequence change replaces glutamic acid, which is acidic and polar, with lysine, which is basic and polar, at codon 1545 of the MYH7 protein (p.Glu1545Lys). This variant is not present in population databases (gnomAD no frequency). This variant has not been reported in the literature in individuals affected with MYH7-related conditions. Invitae Evidence Modeling of protein sequence and biophysical properties (such as structural, functional, and spatial information, amino acid conservation, physicochemical variation, residue mobility, and thermodynamic stability) indicates that this missense variant is expected to disrupt MYH7 protein function with a positive predictive value of 95%. In summary, the available evidence is currently insufficient to determine the role of this variant in disease. Therefore, it has been classified as a Variant of Uncertain Significance.